The following is an entry in ClinVar:

NM_021870.3(FGG):c.572G>A (p.Gly191Glu)

Gene: FGG (fibrinogen gamma chain; minus strand). Cytogenetic location: 4q32.1.
Variant type: single nucleotide variant.
Coding change: c.572G>A on transcript NM_021870.3 (MANE Select); coding-DNA position 572, G replaced by A.
Protein change: p.Gly191Glu; replaces glycine 191 with glutamic acid.
Molecular consequence: missense variant.
Genome position (GRCh38, 1-based): chr4:154,609,724, C>T on the plus strand (G>A on the coding strand, the complement: FGG is on the minus strand). VCF-style: chr4-154609724-C-T. GRCh37 (hg19) VCF-style: chr4-155530876-C-T.
Other names: c.572G>A, p.Gly191Glu (NM_000509.6); short protein forms G191E.
Identifiers: ClinVar variation 2887738 (VCV002887738.3), dbSNP rs761289445, ClinGen allele CA3115600.

ClinVar aggregate classification (germline): Uncertain significance (1 of 4 stars; one submission).

Allele frequency attached by ClinVar (database versions not stated): ExAC 0.00001; gnomAD exomes 0.00001; TOPMed 0.00002.
gnomAD v4.1: 8 of 1,613,772 alleles (0.0005%); highest among the groups gnomAD compares: Admixed American, 0.012%; no homozygotes.

Submission:

Labcorp Genetics (formerly Invitae), Labcorp
Classification: Uncertain significance. Last evaluated: 2023-05-20. Review status: criteria provided, single submitter. Criteria: Invitae Variant Classification Sherloc (09022015). Collection method: clinical testing. Allele origin: germline.
Comment: This sequence change replaces glycine, which is neutral and non-polar, with glutamic acid, which is acidic and polar, at codon 191 of the FGG protein (p.Gly191Glu). This variant is present in population databases (rs761289445, gnomAD 0.01%). This variant has not been reported in the literature in individuals affected with FGG-related conditions. Advanced modeling of protein sequence and biophysical properties (such as structural, functional, and spatial information, amino acid conservation, physicochemical variation, residue mobility, and thermodynamic stability) has been performed at Invitae for this missense variant, however the output from this modeling did not meet the statistical confidence thresholds required to predict the impact of this variant on FGG protein function. In summary, the available evidence is currently insufficient to determine the role of this variant in disease. Therefore, it has been classified as a Variant of Uncertain Significance.